The following is an entry in ClinVar:

ClinVar aggregate classification (germline): Uncertain significance (1 of 4 stars; one submission).

Conditions:
Dyskeratosis congenita. Identifiers: Orphanet 1775, MedGen C0265965, MONDO:0015780.

Submission:

Ambry Genetics
Classification: Uncertain significance for Dyskeratosis congenita. Last evaluated: 2026-01-03. Review status: criteria provided, single submitter. Criteria: Ambry Variant Classification Scheme 2023. Collection method: clinical testing. Allele origin: germline.
Comment: The p.H876D variant (also known as c.2626C>G), located in coding exon 10 of the TERT gene, results from a C to G substitution at nucleotide position 2626. The histidine at codon 876 is replaced by aspartic acid, an amino acid with similar properties. This amino acid position is conserved. In addition, this alteration is predicted to be deleterious by in silico analysis. Based on the available evidence, the clinical significance of this variant remains unclear.

NM_198253.3(TERT):c.2626C>G (p.His876Asp)

Gene: TERT (telomerase reverse transcriptase; minus strand). Cytogenetic location: 5p15.33.
Variant type: single nucleotide variant.
Coding change: c.2626C>G on transcript NM_198253.3 (MANE Select); coding-DNA position 2626, C replaced by G.
Protein change: p.His876Asp; replaces histidine 876 with aspartic acid.
Molecular consequence: missense variant. On other transcripts: non-coding transcript variant (2).
Genome position (GRCh38, 1-based): chr5:1,266,492, G>C on the plus strand (C>G on the coding strand, the complement: TERT is on the minus strand). VCF-style: chr5-1266492-G-C. GRCh37 (hg19) VCF-style: chr5-1266607-G-C.
Other names: c.2626C>G, p.His876Asp (NM_001193376.3); short protein forms H876D.
Identifiers: ClinVar variation 4843988 (VCV004843988.1).